The following is an entry in ClinVar:

NM_001134363.3(RBM20):c.2655+6G>C

Gene: RBM20 (RNA binding motif protein 20; plus strand). Cytogenetic location: 10q25.2.
Variant type: single nucleotide variant.
Coding change: c.2655+6G>C on transcript NM_001134363.3 (MANE Select); 6 bases into the intron after coding-DNA position 2655, G replaced by C.
Molecular consequence: intron variant.
Genome position (GRCh38, 1-based): chr10:110,820,182, G>C. VCF-style: chr10-110820182-G-C. GRCh37 (hg19) VCF-style: chr10-112579940-G-C.
Identifiers: ClinVar variation 2019787 (VCV002019787.4), dbSNP rs2493490335, ClinGen allele CA2580081252.

ClinVar aggregate classification (germline): Uncertain significance (1 of 4 stars; one submission).

Conditions:
Dilated cardiomyopathy 1DD (CMD1DD). Identifiers: Orphanet 154, MedGen C2750995, MONDO:0013168, OMIM 613172.

Allele frequency attached by ClinVar (database versions not stated): gnomAD exomes below 0.00001.
gnomAD v4.1: 1 of 1,542,728 alleles (0.000065%); highest among the groups gnomAD compares: Non-Finnish European, 0.000088%; no homozygotes.

Submission:

Labcorp Genetics (formerly Invitae), Labcorp
Classification: Uncertain significance for Dilated cardiomyopathy 1DD. Last evaluated: 2022-07-26. Review status: criteria provided, single submitter. Criteria: Invitae Variant Classification Sherloc (09022015). Collection method: clinical testing. Allele origin: germline.
Comment: This sequence change falls in intron 10 of the RBM20 gene. It does not directly change the encoded amino acid sequence of the RBM20 protein. It affects a nucleotide within the consensus splice site. This variant is not present in population databases (gnomAD no frequency). This variant has not been reported in the literature in individuals affected with RBM20-related conditions. Variants that disrupt the consensus splice site are a relatively common cause of aberrant splicing (PMID: 17576681, 9536098). Algorithms developed to predict the effect of sequence changes on RNA splicing suggest that this variant is not likely to affect RNA splicing. In summary, the available evidence is currently insufficient to determine the role of this variant in disease. Therefore, it has been classified as a Variant of Uncertain Significance.

Literature cited by the submitters: PubMed 17576681; PubMed 9536098.